The following is an entry in ClinVar:

ClinVar aggregate classification (germline): Uncertain significance (1 of 4 stars; one submission).

Allele frequency attached by ClinVar (database versions not stated): gnomAD 0.00001; gnomAD exomes 0.00001; TOPMed 0.00001; ExAC 0.00002; ESP Exome Variant Server 0.00015.
gnomAD v4.1: 15 of 1,613,430 alleles (0.00093%); highest among the groups gnomAD compares: Non-Finnish European, 0.0012%; no homozygotes.

Submission:

Labcorp Genetics (formerly Invitae), Labcorp
Classification: Uncertain significance. Last evaluated: 2022-06-05. Review status: criteria provided, single submitter. Criteria: Invitae Variant Classification Sherloc (09022015). Collection method: clinical testing. Allele origin: germline.
Comment: This sequence change replaces glycine, which is neutral and non-polar, with glutamic acid, which is acidic and polar, at codon 2217 of the TRIOBP protein (p.Gly2217Glu). This variant is present in population databases (rs370439978, gnomAD 0.002%). This variant has not been reported in the literature in individuals affected with TRIOBP-related conditions. Algorithms developed to predict the effect of missense changes on protein structure and function output the following: SIFT: "Deleterious"; PolyPhen-2: "Probably Damaging"; Align-GVGD: "Class C0". The glutamic acid amino acid residue is found in multiple mammalian species, which suggests that this missense change does not adversely affect protein function. In summary, the available evidence is currently insufficient to determine the role of this variant in disease. Therefore, it has been classified as a Variant of Uncertain Significance.

NM_001039141.3(TRIOBP):c.6650G>A (p.Gly2217Glu)

Gene: TRIOBP (TRIO and F-actin binding protein; plus strand). Cytogenetic location: 22q13.1.
Variant type: single nucleotide variant.
Coding change: c.6650G>A on transcript NM_001039141.3 (MANE Select); coding-DNA position 6650, G replaced by A.
Protein change: p.Gly2217Glu; replaces glycine 2217 with glutamic acid.
Molecular consequence: missense variant.
Genome position (GRCh38, 1-based): chr22:37,769,102, G>A. VCF-style: chr22-37769102-G-A. GRCh37 (hg19) VCF-style: chr22-38165109-G-A.
Other names: c.1511G>A, p.Gly504Glu (NM_007032.5); short protein forms G2217E, G504E.
Identifiers: ClinVar variation 1916816 (VCV001916816.5), dbSNP rs370439978, ClinGen allele CA10225129.